The following is an entry in ClinVar:

ClinVar aggregate classification (germline): Uncertain significance (1 of 4 stars; one submission).

Submission:

CeGaT Center for Human Genetics Tuebingen
Classification: Uncertain significance. Last evaluated: 2026-07-01. Review status: criteria provided, single submitter. Criteria: CeGaT Center For Human Genetics Tuebingen Variant Classification Criteria Version 2. Collection method: clinical testing. Allele origin: germline. Affected: yes. Observed: 1 variant allele.
Comment: TTN: PM2

NM_001267550.2(TTN):c.79894G>A (p.Glu26632Lys)

Genes: TTN (titin; minus strand), TTN-AS1 (TTN antisense RNA 1; plus strand). Cytogenetic location: 2q31.2.
Variant type: single nucleotide variant.
Coding change: c.79894G>A on transcript NM_001267550.2 (MANE Select); coding-DNA position 79894, G replaced by A.
Protein change: p.Glu26632Lys; replaces glutamic acid 26632 with lysine.
Molecular consequence: missense variant.
Genome position (GRCh38, 1-based): chr2:178,566,238, C>T on the plus strand (G>A on the coding strand, the complement: TTN is on the minus strand). VCF-style: chr2-178566238-C-T. GRCh37 (hg19) VCF-style: chr2-179430965-C-T.
Other names: c.74971G>A, p.Glu24991Lys (NM_001256850.1); c.52699G>A, p.Glu17567Lys (NM_003319.4); c.72190G>A, p.Glu24064Lys (NM_133378.4); c.53074G>A, p.Glu17692Lys (NM_133432.3); c.53275G>A, p.Glu17759Lys (NM_133437.4); short protein forms E17567K, E17692K, E17759K, E24064K, E24991K, E26632K.
Identifiers: ClinVar variation 5038822 (VCV005038822.1).
Genomic context (GRCh38, chr2:178,566,238, plus strand): 5'-TATCTATTGATAGTTGGGTATAGTTTACTCCCTTTTCAATTTGGACCTTATCTGTGAATT[C>T]ACCTTCCTCTCGAGACCAAGTGATCTCAGGCGTTGGACGACCTTTGAATGGAATGTGAAT-3'
Protein context (NP_001254479.2, residues 26622-26642): PEITWSREEG[Glu26632Lys]FTDKVQIEKG